The following is an entry in ClinVar:

NM_014820.5(TOMM70):c.493C>T (p.Gln165Ter)

Gene: TOMM70 (translocase of outer mitochondrial membrane 70; minus strand). Cytogenetic location: 3q12.2.
Variant type: single nucleotide variant.
Coding change: c.493C>T on transcript NM_014820.5 (MANE Select); coding-DNA position 493, C replaced by T.
Protein change: p.Gln165Ter; replaces glutamine 165 with a stop codon.
Molecular consequence: nonsense.
Genome position (GRCh38, 1-based): chr3:100,386,810, G>A on the plus strand (C>T on the coding strand, the complement: TOMM70 is on the minus strand). VCF-style: chr3-100386810-G-A. GRCh37 (hg19) VCF-style: chr3-100105654-G-A.
Other names: short protein forms Q165*.
Identifiers: ClinVar variation 1333239 (VCV001333239.1), dbSNP rs1206453006, ClinGen allele CA353825424.

ClinVar aggregate classification (germline): Uncertain significance (1 of 4 stars; one submission).

Conditions:
TOMM70-related neurodevelopmental disorder.

Allele frequency attached by ClinVar (database versions not stated): gnomAD 0.00001.
gnomAD v4.1: 1 of 1,613,768 alleles (0.000062%); no homozygotes.

Submission:

3billion
Classification: Uncertain significance for TOMM70 related neurodevelopmental disorder. Last evaluated: 2022-01-03. Review status: criteria provided, single submitter. Criteria: ACMG Guidelines, 2015. Collection method: clinical testing. Allele origin: germline. Affected: yes. Observed: 1 heterozygote.
Comment: Stop-gained (nonsense): predicted to result in a loss or disruption of normal protein function through nonsense-mediated decay (NMD) or protein truncation. Multiple pathogenic variants are reported downstream of the variant (PVS1_VS). It is observed at an extremely low frequency in the gnomAD v2.1.1 dataset (total allele frequency: 0.000032, PM2_M). A possible genotype-phenotype association for TOMM70 has been published (PMID:32356556) for neurological impairment. However, the association is not yet confirmed and is not in OMIM or Orphanet.Therefore, this variant is classified as uncertain significance according to the recommendation of ACMG/AMP guideline.

Literature cited by the submitters: PubMed 32356556.